The following is an entry in ClinVar:

ClinVar aggregate classification (germline): Uncertain significance. Review status: criteria provided, multiple submitters, no conflicts (2 of 4 stars). 2 submissions from 2 submitters: Uncertain significance (2). Last evaluated 2023-06-05.

Conditions:
Hereditary cancer-predisposing syndrome. Also called: Tumor predisposition; Hereditary neoplastic syndrome; Neoplastic Syndromes, Hereditary; Hereditary Cancer Syndrome. Identifiers: Orphanet 140162, MedGen C0027672, MeSH D009386, MONDO:0015356.

Submissions (2):

Labcorp Genetics (formerly Invitae), Labcorp
Classification: Uncertain significance. Last evaluated: 2023-06-05. Review status: criteria provided, single submitter. Criteria: Invitae Variant Classification Sherloc (09022015). Collection method: clinical testing. Allele origin: germline.
Comment: An algorithm developed to predict the effect of missense changes on protein structure and function (PolyPhen-2) suggests that this variant is likely to be tolerated. In summary, the available evidence is currently insufficient to determine the role of this variant in disease. Therefore, it has been classified as a Variant of Uncertain Significance. ClinVar contains an entry for this variant (Variation ID: 952552). This variant has not been reported in the literature in individuals affected with CTNNA1-related conditions. This variant is not present in population databases (gnomAD no frequency). This sequence change replaces methionine, which is neutral and non-polar, with threonine, which is neutral and polar, at codon 903 of the CTNNA1 protein (p.Met903Thr).

Ambry Genetics
Classification: Uncertain significance for Hereditary cancer-predisposing syndrome. Last evaluated: 2021-10-28. Review status: criteria provided, single submitter. Criteria: Ambry Variant Classification Scheme 2023. Collection method: clinical testing. Allele origin: germline.
Comment: The p.M903T variant (also known as c.2708T>C), located in coding exon 17 of the CTNNA1 gene, results from a T to C substitution at nucleotide position 2708. The methionine at codon 903 is replaced by threonine, an amino acid with similar properties. In one study, this alteration was identified in 1/151,425 individuals who underwent multi-gene germline genetic testing and classified as a variant of uncertain significance by the authors (Clark DF et al. Genet Med, 2020 05;22:840-846). This amino acid position is highly conserved in available vertebrate species. In addition, the in silico prediction for this alteration is inconclusive. Since supporting evidence is limited at this time, the clinical significance of this alteration remains unclear.

Literature cited by the submitters: PubMed 32051609 (cited by Ambry Genetics).

NM_001903.5(CTNNA1):c.2708T>C (p.Met903Thr)

Gene: CTNNA1 (catenin alpha 1; plus strand). Cytogenetic location: 5q31.2.
Variant type: single nucleotide variant.
Coding change: c.2708T>C on transcript NM_001903.5 (MANE Select); coding-DNA position 2708, T replaced by C.
Protein change: p.Met903Thr; replaces methionine 903 with threonine.
Molecular consequence: missense variant. On other transcripts: 3 prime UTR variant (5).
Genome position (GRCh38, 1-based): chr5:138,934,076, T>C. VCF-style: chr5-138934076-T-C. GRCh37 (hg19) VCF-style: chr5-138269765-T-C.
Other names: c.*253T>C (NM_001290307.3, NM_001324002.1, NM_001324003.1 and 2 more transcripts); c.2399T>C, p.Met800Thr (NM_001290309.3); c.2339T>C, p.Met780Thr (NM_001290310.3); c.1598T>C, p.Met533Thr (NM_001290312.1, NM_001323987.1, NM_001323988.1 and 12 more transcripts); c.2708T>C, p.Met903Thr (NM_001323982.2, NM_001323983.1, NM_001323984.2); c.2681T>C, p.Met894Thr (NM_001323985.2); c.2615T>C, p.Met872Thr (NM_001323986.2); c.1463T>C, p.Met488Thr (NM_001324001.1); and 3 more; short protein forms M502T, M800T, M903T, M452T, M488T, M533T, M420T, M894T.
Identifiers: ClinVar variation 952552 (VCV000952552.12), dbSNP rs1766027504, ClinGen allele CA361135820.
Genomic context (GRCh38, chr5:138,934,076, plus strand): 5'-AACGGGCATCTCAGAAGAAGCACGTGAACCCGGTGCAGGCCCTCAGCGAGTTCAAAGCTA[T>C]GGACAGCATCTAAGTCTGCCCAGGCCGGCCGCCCCCACCCCTCGGGGCTCCTGAATATCA-3'
Protein context (NP_001894.2, residues 893-906): PVQALSEFKA[Met903Thr]DSI